The following is an entry in ClinVar:

NM_000066.4(C8B):c.33_34del (p.Pro12fs)

Gene: C8B (complement C8 beta chain; minus strand). Cytogenetic location: 1p32.2.
Variant type: Microsatellite.
Coding change: c.33_34del on transcript NM_000066.4 (MANE Select); coding-DNA positions 33 to 34, 2 bases deleted (GC; older notation c.33_34delGC).
Protein change: p.Pro12fs; shifts the reading frame from proline 12.
Molecular consequence: frameshift variant. On other transcripts: 5 prime UTR variant (2).
Genome position (GRCh38, 1-based): chr1:56,965,915-56,965,916, GC deleted on the plus strand (GC on the coding strand, the reverse complement: C8B is on the minus strand); deleting any 2 consecutive bases within chr1:56,965,915-56,965,918 gives the same sequence; the c. name uses the placement nearest the transcript's 3' end. VCF-style (leftmost placement, unchanged base first): chr1-56965914-GGC-G. GRCh37 (hg19) VCF-style: chr1-57431587-GGC-G.
Other names: c.-348GC[1] (NM_001278543.2); c.-285GC[1] (NM_001278544.2); short protein forms P12fs.
Identifiers: ClinVar variation 3727534 (VCV003727534.2).

ClinVar aggregate classification (germline): Pathogenic (1 of 4 stars; one submission).

Submission:

Labcorp Genetics (formerly Invitae), Labcorp
Classification: Pathogenic. Last evaluated: 2024-12-18. Review status: criteria provided, single submitter. Criteria: Invitae Variant Classification Sherloc (09022015). Collection method: clinical testing. Allele origin: germline.
Comment: This sequence change creates a premature translational stop signal (p.Pro12Glyfs*21) in the C8B gene. It is expected to result in an absent or disrupted protein product. Loss-of-function variants in C8B are known to be pathogenic (PMID: 7594510). This variant is not present in population databases (gnomAD no frequency). This variant has not been reported in the literature in individuals affected with C8B-related conditions. For these reasons, this variant has been classified as Pathogenic.

Literature cited by the submitters: PubMed 7594510.